The following is an entry in ClinVar:

ClinVar aggregate classification (germline): Uncertain significance (1 of 4 stars; one submission).

Allele frequency attached by ClinVar (database versions not stated): gnomAD exomes below 0.00001; gnomAD 0.00001; TOPMed 0.00001.
gnomAD v4.1: 5 of 1,609,586 alleles (0.00031%); highest among the groups gnomAD compares: Non-Finnish European, 0.00043%; no homozygotes.

Submission:

Labcorp Genetics (formerly Invitae), Labcorp
Classification: Uncertain significance. Last evaluated: 2022-05-13. Review status: criteria provided, single submitter. Criteria: Invitae Variant Classification Sherloc (09022015). Collection method: clinical testing. Allele origin: germline.
Comment: This variant has not been reported in the literature in individuals affected with GUCY2C-related conditions. This variant is not present in population databases (gnomAD no frequency). This sequence change replaces lysine, which is basic and polar, with glutamic acid, which is acidic and polar, at codon 552 of the GUCY2C protein (p.Lys552Glu). Algorithms developed to predict the effect of missense changes on protein structure and function (SIFT, PolyPhen-2, Align-GVGD) all suggest that this variant is likely to be disruptive. In summary, the available evidence is currently insufficient to determine the role of this variant in disease. Therefore, it has been classified as a Variant of Uncertain Significance.

NM_004963.4(GUCY2C):c.1654A>G (p.Lys552Glu)

Gene: GUCY2C (guanylate cyclase 2C; minus strand). Cytogenetic location: 12p12.3.
Variant type: single nucleotide variant.
Coding change: c.1654A>G on transcript NM_004963.4 (MANE Select); coding-DNA position 1654, A replaced by G.
Protein change: p.Lys552Glu; replaces lysine 552 with glutamic acid.
Molecular consequence: missense variant.
Genome position (GRCh38, 1-based): chr12:14,651,463, T>C on the plus strand (A>G on the coding strand, the complement: GUCY2C is on the minus strand). VCF-style: chr12-14651463-T-C. GRCh37 (hg19) VCF-style: chr12-14804397-T-C.
Other names: short protein forms K552E.
Identifiers: ClinVar variation 1951840 (VCV001951840.5), dbSNP rs1459771824, ClinGen allele CA383988536.